The following is an entry in ClinVar:

ClinVar aggregate classification (germline): Benign/Likely benign. Review status: criteria provided, multiple submitters, no conflicts (2 of 4 stars). 5 submissions from 4 submitters: Benign (3); Likely benign (2). Last evaluated 2023-01-09.

Conditions:
Ehlers-Danlos syndrome, classic type, 1 (EDSCL1). Also called: EHLERS-DANLOS SYNDROME, GRAVIS TYPE; EHLERS-DANLOS SYNDROME, SEVERE CLASSIC TYPE; Ehlers-Danlos Syndrome, Classic Type, COL5A1-Related; EDS I; Ehlers-Danlos syndrome, type 1. Identifiers: MedGen C0268335, MONDO:0019567, OMIM 130000.
Fibromuscular dysplasia, multifocal. Identifiers: MedGen C5543412, MONDO:0859151, OMIM 619329.
Familial thoracic aortic aneurysm and aortic dissection (TAAD). Also called: Thoracic aortic aneurysms and dissections. Identifiers: Orphanet 91387, MedGen C4707243, MONDO:0019625.

Allele frequency attached by ClinVar (database versions not stated): gnomAD 0.00003 and 0.00001; gnomAD exomes 0.00004 and 0.00006; TOPMed 0.00001; ExAC 0.00007.
gnomAD v4.1: 59 of 1,614,002 alleles (0.0037%); highest among the groups gnomAD compares: South Asian, 0.044%; 1 homozygote.

Submissions (5):

Labcorp Genetics (formerly Invitae), Labcorp
Classification: Benign for Ehlers-Danlos syndrome, classic type, 1. Last evaluated: 2023-01-09. Review status: criteria provided, single submitter. Criteria: Invitae Variant Classification Sherloc (09022015). Collection method: clinical testing. Allele origin: germline.

Ambry Genetics
Classification: Likely benign for Familial thoracic aortic aneurysm and aortic dissection. Last evaluated: 2022-11-20. Review status: criteria provided, single submitter. Criteria: Ambry Variant Classification Scheme 2023. Collection method: clinical testing. Allele origin: germline.

Genome-Nilou Lab
Classification: Benign for Ehlers-Danlos syndrome, classic type, 1. Last evaluated: 2022-03-15. Review status: criteria provided, single submitter. Criteria: ACMG Guidelines, 2015. Collection method: clinical testing. Allele origin: germline. Affected: no.

Genome-Nilou Lab
Classification: Benign for Fibromuscular dysplasia, multifocal. Last evaluated: 2022-03-15. Review status: criteria provided, single submitter. Criteria: ACMG Guidelines, 2015. Collection method: clinical testing. Allele origin: germline. Affected: no.

GeneDx
Classification: Likely benign. Last evaluated: 2016-03-07. Review status: criteria provided, single submitter. Criteria: GeneDx Variant Classification (06012015). Collection method: clinical testing. Allele origin: germline. Affected: yes.
Comment: This variant is considered likely benign or benign based on one or more of the following criteria: it is a conservative change, it occurs at a poorly conserved position in the protein, it is predicted to be benign by multiple in silico algorithms, and/or has population frequency not consistent with disease.

NM_000093.5(COL5A1):c.2817C>T (p.Asp939=)

Gene: COL5A1 (collagen type V alpha 1 chain; plus strand). Cytogenetic location: 9q34.3.
Variant type: single nucleotide variant.
Coding change: c.2817C>T on transcript NM_000093.5 (MANE Select); coding-DNA position 2817, C replaced by T.
Protein change: p.Asp939=; no amino-acid change (aspartic acid 939 retained).
Molecular consequence: synonymous variant.
Genome position (GRCh38, 1-based): chr9:134,796,391, C>T. VCF-style: chr9-134796391-C-T. GRCh37 (hg19) VCF-style: chr9-137688237-C-T.
Other names: c.2817C>T, p.Asp939= (NM_001278074.1).
Identifiers: ClinVar variation 377726 (VCV000377726.11), dbSNP rs750716466, ClinGen allele CA5319611.